The following is an entry in ClinVar:

ClinVar aggregate classification (germline): Likely benign. Review status: criteria provided, multiple submitters, no conflicts (2 of 4 stars). 4 submissions from 4 submitters: Likely benign (4). Last evaluated 2025-08-07.

Conditions:
Inborn genetic diseases. Identifiers: MedGen C0950123, MeSH D030342.
Hypokalemic periodic paralysis, type 1. Also called: Hypokalemic Periodic Paralysis Type 1 (AD); HypoPP. Identifiers: Orphanet 681, MedGen C3714580, MONDO:0042979, OMIM 170400.
Malignant hyperthermia, susceptibility to, 5 (MHS5). Also called: CACNA1S-Related Malignant Hyperthermia Susceptibility. Identifiers: Orphanet 423, MedGen C1866077, MONDO:0011163, OMIM 601887.

Allele frequency attached by ClinVar (database versions not stated): gnomAD 0.00001; ExAC 0.00002; gnomAD exomes 0.00002.

Submissions (4):

Ambry Genetics
Classification: Likely benign for Inborn genetic diseases. Last evaluated: 2025-08-07. Review status: criteria provided, single submitter. Criteria: Ambry Variant Classification Scheme 2023. Collection method: clinical testing. Allele origin: germline.

All of Us Research Program, National Institutes of Health
Classification: Likely benign for Malignant hyperthermia, susceptibility to, 5. Last evaluated: 2024-02-05. Review status: criteria provided, single submitter. Criteria: ACMG Guidelines, 2015. Collection method: clinical testing. Allele origin: germline. Inheritance: Autosomal dominant inheritance. Observed: 2 variant alleles, 2 heterozygotes.
Comment: This variant is located in the CACNA1S protein. To our knowledge, functional studies have not been reported for this variant. This variant has not been reported in individuals affected with CACNA1S-related disorders in the literature. This variant has been identified in 6/251482 chromosomes in the general population by the Genome Aggregation Database (gnomAD). The available evidence is insufficient to determine the role of this variant in disease conclusively. Therefore, this variant is classified as a Variant of Uncertain Significance.

This study involves interpretation of variants in research participants for the purpose of population health screening. Participant phenotype was not available at the time of variant classification. Additional details can be found in publication PMID: 35346344, PMCID: PMC8962531

Color Diagnostics, LLC DBA Color Health
Classification: Likely benign for Malignant hyperthermia, susceptibility to, 5. Last evaluated: 2023-11-15. Review status: criteria provided, single submitter. Criteria: ACMG Guidelines, 2015. Collection method: clinical testing. Allele origin: germline.

Labcorp Genetics (formerly Invitae), Labcorp
Classification: Likely benign for Hypokalemic periodic paralysis, type 1; Malignant hyperthermia, susceptibility to, 5. Last evaluated: 2023-08-04. Review status: criteria provided, single submitter. Criteria: Invitae Variant Classification Sherloc (09022015). Collection method: clinical testing. Allele origin: germline.

NM_000069.3(CACNA1S):c.3405C>T (p.Leu1135=)

Gene: CACNA1S (calcium voltage-gated channel subunit alpha1 S; minus strand). Cytogenetic location: 1q32.1.
Variant type: single nucleotide variant.
Coding change: c.3405C>T on transcript NM_000069.3 (MANE Select); coding-DNA position 3405, C replaced by T.
Protein change: p.Leu1135=; no amino-acid change (leucine 1135 retained).
Molecular consequence: synonymous variant.
Genome position (GRCh38, 1-based): chr1:201,060,667, G>A on the plus strand (C>T on the coding strand, the complement: CACNA1S is on the minus strand). VCF-style: chr1-201060667-G-A. GRCh37 (hg19) VCF-style: chr1-201029795-G-A.
Identifiers: ClinVar variation 702204 (VCV000702204.12), dbSNP rs777887405, ClinGen allele CA079655.